The following is an entry in ClinVar:

ClinVar aggregate classification (germline): Uncertain significance. Review status: criteria provided, multiple submitters, no conflicts (2 of 4 stars). 3 submissions from 3 submitters: Uncertain significance (3). Last evaluated 2022-10-17.

Conditions:
Hermansky-Pudlak syndrome 5 (HPS5). Identifiers: Orphanet 231512, Orphanet 79430, MedGen C3888004, MONDO:0013557, OMIM 614074.

Allele frequency attached by ClinVar (database versions not stated): TOPMed 0.00002; gnomAD 0.00003 and 0.00009; gnomAD exomes 0.00005; ExAC 0.00007; 1000 Genomes Project 30x 0.00062; 1000 Genomes Project 0.00080.
gnomAD v4.1: 159 of 1,613,406 alleles (0.0099%); highest among the groups gnomAD compares: East Asian, 0.35%; 2 homozygotes.

Submissions (3):

Labcorp Genetics (formerly Invitae), Labcorp
Classification: Uncertain significance. Last evaluated: 2022-10-17. Review status: criteria provided, single submitter. Criteria: Invitae Variant Classification Sherloc (09022015). Collection method: clinical testing. Allele origin: germline.
Comment: This sequence change replaces methionine, which is neutral and non-polar, with isoleucine, which is neutral and non-polar, at codon 512 of the HPS5 protein (p.Met512Ile). This variant is present in population databases (rs139349345, gnomAD 0.05%). This variant has not been reported in the literature in individuals affected with HPS5-related conditions. ClinVar contains an entry for this variant (Variation ID: 877784). Algorithms developed to predict the effect of missense changes on protein structure and function (SIFT, PolyPhen-2, Align-GVGD) all suggest that this variant is likely to be tolerated. In summary, the available evidence is currently insufficient to determine the role of this variant in disease. Therefore, it has been classified as a Variant of Uncertain Significance.

Fulgent Genetics
Classification: Uncertain significance for Hermansky-Pudlak syndrome 5. Last evaluated: 2022-03-01. Review status: criteria provided, single submitter. Criteria: ACMG Guidelines, 2015. Collection method: clinical testing. Allele origin: unknown.

Illumina Laboratory Services, Illumina
Classification: Uncertain significance for Hermansky-Pudlak syndrome 5. Last evaluated: 2018-01-12. Review status: criteria provided, single submitter. Criteria: ICSL Variant Classification Criteria 13 December 2019. Collection method: clinical testing. Allele origin: germline.

NM_181507.2(HPS5):c.1536G>A (p.Met512Ile)

Gene: HPS5 (HPS5 biogenesis of lysosomal organelles complex 2 subunit 2; minus strand). Cytogenetic location: 11p15.1.
Variant type: single nucleotide variant.
Coding change: c.1536G>A on transcript NM_181507.2 (MANE Select); coding-DNA position 1536, G replaced by A.
Protein change: p.Met512Ile; replaces methionine 512 with isoleucine.
Molecular consequence: missense variant.
Genome position (GRCh38, 1-based): chr11:18,296,097, C>T on the plus strand (G>A on the coding strand, the complement: HPS5 is on the minus strand). VCF-style: chr11-18296097-C-T. GRCh37 (hg19) VCF-style: chr11-18317644-C-T.
Other names: c.1194G>A, p.Met398Ile (NM_181508.2, NM_007216.4); short protein forms M398I, M512I.
Identifiers: ClinVar variation 877784 (VCV000877784.9), dbSNP rs139349345, ClinGen allele CA5910079.